The following is an entry in ClinVar:

NM_001033046.4(CYBC1):c.444-45A>G

Gene: CYBC1 (cytochrome b-245 chaperone 1; minus strand). Cytogenetic location: 17q25.3.
Variant type: single nucleotide variant.
Coding change: c.444-45A>G on transcript NM_001033046.4 (MANE Select); 45 bases into the intron before coding-DNA position 444, A replaced by G.
Molecular consequence: intron variant.
Genome position (GRCh38, 1-based): chr17:82,444,169, T>C on the plus strand (A>G on the coding strand, the complement: CYBC1 is on the minus strand). VCF-style: chr17-82444169-T-C. GRCh37 (hg19) VCF-style: chr17-80402045-T-C.
Other names: c.402-45A>G (NM_001100408.3); c.444-45A>G (NM_001100407.3, NM_001193657.2, NM_001193654.2 and 2 more transcripts).
Identifiers: ClinVar variation 1279797 (VCV001279797.4), dbSNP rs67228117, ClinGen allele CA8858184.

ClinVar aggregate classification (germline): Benign. Review status: criteria provided, multiple submitters, no conflicts (2 of 4 stars). 3 submissions from 3 submitters: Benign (3). Last evaluated 2024-01-24.

Allele frequency attached by ClinVar (database versions not stated): ESP Exome Variant Server 0.15093; gnomAD 0.17169 and 0.17666; TOPMed 0.18703; 1000 Genomes Project 0.24561; 1000 Genomes Project 30x 0.24656.

Submissions (3):

Unidad de Genómica Garrahan, Hospital de Pediatría Garrahan
Classification: Benign. Last evaluated: 2024-01-24. Review status: criteria provided, single submitter. Criteria: ACMG Guidelines, 2015. Collection method: clinical testing. Allele origin: germline. Affected: no. Observed: 47 variant alleles.
Comment: This variant is classified as Benign based on local population frequency. This variant was detected in 49% of patients studied by a panel of primary immunodeficiencies. Number of patients: 47. Only high quality variants are reported.

GeneDx
Classification: Benign. Last evaluated: 2021-05-10. Review status: criteria provided, single submitter. Criteria: GeneDx Variant Classification Process June 2021. Collection method: clinical testing. Allele origin: germline. Affected: yes.

Breakthrough Genomics
Classification: Benign. Review status: criteria provided, single submitter. Criteria: ACMG Guidelines, 2015. Collection method: not provided. Allele origin: germline. Inheritance: Autosomal recessive inheritance. Affected: yes.